The following is an entry in ClinVar:

NM_013447.4(ADGRE2):c.907A>G (p.Ser303Gly)

Gene: ADGRE2 (adhesion G protein-coupled receptor E2; minus strand). Cytogenetic location: 19p13.12.
Variant type: single nucleotide variant.
Coding change: c.907A>G on transcript NM_013447.4 (MANE Select); coding-DNA position 907, A replaced by G.
Protein change: p.Ser303Gly; replaces serine 303 with glycine.
Molecular consequence: missense variant.
Genome position (GRCh38, 1-based): chr19:14,764,610, T>C on the plus strand (A>G on the coding strand, the complement: ADGRE2 is on the minus strand). VCF-style: chr19-14764610-T-C. GRCh37 (hg19) VCF-style: chr19-14875422-T-C.
Other names: c.907A>G, p.Ser303Gly (NM_001271052.1); c.760A>G, p.Ser254Gly (NM_152916.2); c.628A>G, p.Ser210Gly (NM_152917.2); short protein forms S254G, S210G, S303G.
Identifiers: ClinVar variation 2960134 (VCV002960134.3), dbSNP rs2513220800, ClinGen allele CA404459361.

ClinVar aggregate classification (germline): Uncertain significance (1 of 4 stars; one submission).

Allele frequency attached by ClinVar (database versions not stated): gnomAD exomes below 0.00001.
gnomAD v4.1: 1 of 1,610,336 alleles (0.000062%); highest among the groups gnomAD compares: South Asian, 0.0011%; no homozygotes.

Submission:

Labcorp Genetics (formerly Invitae), Labcorp
Classification: Uncertain significance. Last evaluated: 2024-01-20. Review status: criteria provided, single submitter. Criteria: Invitae Variant Classification Sherloc (09022015). Collection method: clinical testing. Allele origin: germline.
Comment: This sequence change replaces serine, which is neutral and polar, with glycine, which is neutral and non-polar, at codon 303 of the ADGRE2 protein (p.Ser303Gly). This variant is not present in population databases (gnomAD no frequency). This variant has not been reported in the literature in individuals affected with ADGRE2-related conditions. Algorithms developed to predict the effect of missense changes on protein structure and function output the following: SIFT: "Not Available"; PolyPhen-2: "Benign"; Align-GVGD: "Not Available". The glycine amino acid residue is found in multiple mammalian species, which suggests that this missense change does not adversely affect protein function. In summary, the available evidence is currently insufficient to determine the role of this variant in disease. Therefore, it has been classified as a Variant of Uncertain Significance.